The following is an entry in ClinVar:

ClinVar aggregate classification (germline): Uncertain significance (1 of 4 stars; one submission).

Conditions:
Nemaline myopathy 9 (NEM9). Identifiers: MedGen C3810384, MONDO:0014326, OMIM 615731.

Allele frequency attached by ClinVar (database versions not stated): gnomAD exomes below 0.00001; TOPMed below 0.00001; gnomAD 0.00001; ESP Exome Variant Server 0.00008.
gnomAD v4.1: 3 of 1,613,804 alleles (0.00019%); highest among the groups gnomAD compares: African/African-American, 0.004%; no homozygotes.

Submission:

Labcorp Genetics (formerly Invitae), Labcorp
Classification: Uncertain significance for Nemaline myopathy 9. Last evaluated: 2022-07-06. Review status: criteria provided, single submitter. Criteria: Invitae Variant Classification Sherloc (09022015). Collection method: clinical testing. Allele origin: germline.
Comment: In summary, the available evidence is currently insufficient to determine the role of this variant in disease. Therefore, it has been classified as a Variant of Uncertain Significance. Algorithms developed to predict the effect of missense changes on protein structure and function (SIFT, PolyPhen-2, Align-GVGD) all suggest that this variant is likely to be tolerated. ClinVar contains an entry for this variant (Variation ID: 1354593). This sequence change replaces asparagine, which is neutral and polar, with aspartic acid, which is acidic and polar, at codon 359 of the KLHL41 protein (p.Asn359Asp). This variant is not present in population databases (gnomAD no frequency). This variant has not been reported in the literature in individuals affected with KLHL41-related conditions.

NM_006063.3(KLHL41):c.1075A>G (p.Asn359Asp)

Gene: KLHL41 (kelch like family member 41; plus strand). Cytogenetic location: 2q31.1.
Variant type: single nucleotide variant.
Coding change: c.1075A>G on transcript NM_006063.3 (MANE Select); coding-DNA position 1075, A replaced by G.
Protein change: p.Asn359Asp; replaces asparagine 359 with aspartic acid.
Molecular consequence: missense variant.
Genome position (GRCh38, 1-based): chr2:169,510,853, A>G. VCF-style: chr2-169510853-A-G. GRCh37 (hg19) VCF-style: chr2-170367363-A-G.
Other names: short protein forms N359D.
Identifiers: ClinVar variation 1354593 (VCV001354593.8), dbSNP rs143883202, ClinGen allele CA59943882.